The following is an entry in ClinVar:

NM_032242.4(PLXNA1):c.2519G>A (p.Arg840Gln)

Gene: PLXNA1 (plexin A1; plus strand). Cytogenetic location: 3q21.3.
Variant type: single nucleotide variant.
Coding change: c.2519G>A on transcript NM_032242.4 (MANE Select); coding-DNA position 2519, G replaced by A.
Protein change: p.Arg840Gln; replaces arginine 840 with glutamine.
Molecular consequence: missense variant.
Genome position (GRCh38, 1-based): chr3:127,014,290, G>A. VCF-style: chr3-127014290-G-A. GRCh37 (hg19) VCF-style: chr3-126733133-G-A.
Other names: short protein forms R840Q.
Identifiers: ClinVar variation 2635012 (VCV002635012.2), dbSNP rs762229287, ClinGen allele CA2593654.

ClinVar aggregate classification (germline): Uncertain significance (0 of 4 stars; one submission).

Conditions:
PLXNA1-related disorder. Also called: PLXNA1-related condition.

Allele frequency attached by ClinVar (database versions not stated): gnomAD exomes 0.00001; TOPMed 0.00002; ExAC 0.00003; gnomAD 0.00003.
gnomAD v4.1: 26 of 1,595,822 alleles (0.0016%); highest among the groups gnomAD compares: South Asian, 0.01%; no homozygotes.

Submission:

PreventionGenetics, part of Exact Sciences
Classification: Uncertain significance for PLXNA1-related condition. Last evaluated: 2024-05-06. Review status: no assertion criteria provided. Collection method: clinical testing. Allele origin: germline.
Comment: The PLXNA1 c.2519G>A variant is predicted to result in the amino acid substitution p.Arg840Gln. This variant was reported in the heterozygous state in one patient with isolated hypogonadotropic hypogonadism, who also carried a rare homozygous variant in SOX10 (see F3 in Figure 3, Men et al. 2021. PubMed ID: 34636164).  Functional studies suggest this variant leads to reduced protein level (Marcos et al. 2017. PubMed ID: 28334861). This variant is reported in 0.0032% of alleles in individuals of European (Non-Finnish) descent in gnomAD. At this time, the clinical significance of this variant is uncertain due to the absence of conclusive functional and genetic evidence.